The following is an entry in ClinVar:

NM_023036.6(DNAI2):c.718C>T (p.Gln240Ter)

Gene: DNAI2 (dynein axonemal intermediate chain 2; plus strand). Cytogenetic location: 17q25.1.
Variant type: single nucleotide variant.
Coding change: c.718C>T on transcript NM_023036.6 (MANE Select); coding-DNA position 718, C replaced by T.
Protein change: p.Gln240Ter; replaces glutamine 240 with a stop codon.
Molecular consequence: nonsense. On other transcripts: non-coding transcript variant (1).
Genome position (GRCh38, 1-based): chr17:74,291,127, C>T. VCF-style: chr17-74291127-C-T. GRCh37 (hg19) VCF-style: chr17-72287266-C-T.
Other names: c.718C>T, p.Gln240Ter (NM_001172810.3, NM_001353167.2); c.718C>T (NM_023036.5); short protein forms Q240*.
Identifiers: ClinVar variation 525359 (VCV000525359.10), dbSNP rs780116486, ClinGen allele CA8745453.

ClinVar aggregate classification (germline): Pathogenic/Likely pathogenic. Review status: criteria provided, multiple submitters, no conflicts (2 of 4 stars). 3 submissions from 3 submitters: Pathogenic (1); Likely pathogenic (2). Last evaluated 2025-06-30.

Conditions:
Primary ciliary dyskinesia 9. Also called: CILIARY DYSKINESIA, PRIMARY, 9, WITH OR WITHOUT SITUS INVERSUS. Identifiers: Orphanet 244, MedGen C2676235, MONDO:0012906, OMIM 612444.
Primary ciliary dyskinesia. Also called: Ciliary dyskinesia. Identifiers: Orphanet 244, MedGen C0008780, MONDO:0016575, HP:0012265.

Allele frequency attached by ClinVar (database versions not stated): ExAC 0.00001; gnomAD exomes 0.00001; TOPMed 0.00002.
gnomAD v4.1: 11 of 1,610,610 alleles (0.00068%); highest among the groups gnomAD compares: Non-Finnish European, 0.00093%; no homozygotes.

Submissions (3):

Natera, Inc.
Classification: Likely pathogenic for Primary ciliary dyskinesia. Last evaluated: 2025-06-30. Review status: criteria provided, single submitter. Criteria: Natera Variant Classification Schema (03/2026). Collection method: clinical testing. Allele origin: germline.
Comment: The c.718C>T variant in DNAI2 is a nonsense variant predicted to introduce a stop codon at amino acid 240. This variant is expected to result in nonsense mediated decay, truncation, or a dysfunctional protein product. This variant is rare in the general population with a frequency below the threshold expected for the associated phenotype(s). Given the available evidence, this variant is classified as Likely Pathogenic.

Labcorp Genetics (formerly Invitae), Labcorp
Classification: Pathogenic for Primary ciliary dyskinesia. Last evaluated: 2024-05-27. Review status: criteria provided, single submitter. Criteria: Invitae Variant Classification Sherloc (09022015). Collection method: clinical testing. Allele origin: germline.
Comment: This sequence change creates a premature translational stop signal (p.Gln240*) in the DNAI2 gene. It is expected to result in an absent or disrupted protein product. Loss-of-function variants in DNAI2 are known to be pathogenic (PMID: 18950741, 23891469). This variant is present in population databases (rs780116486, gnomAD 0.002%). This variant has not been reported in the literature in individuals affected with DNAI2-related conditions. ClinVar contains an entry for this variant (Variation ID: 525359). For these reasons, this variant has been classified as Pathogenic.

Fulgent Genetics
Classification: Likely pathogenic for Primary ciliary dyskinesia 9. Last evaluated: 2024-02-05. Review status: criteria provided, single submitter. Criteria: ACMG Guidelines, 2015. Collection method: clinical testing. Allele origin: germline.

Literature cited by the submitters: PubMed 18950741 (cited by Labcorp Genetics (formerly Invitae), Labcorp); PubMed 23891469 (cited by Labcorp Genetics (formerly Invitae), Labcorp).